The following is an entry in ClinVar:

NM_000489.6(ATRX):c.5698-7del

Gene: ATRX (ATRX chromatin remodeler; minus strand). Cytogenetic location: Xq21.1.
Variant type: Deletion.
Coding change: c.5698-7del on transcript NM_000489.6 (MANE Select); 7 bases into the intron before coding-DNA position 5698, one base deleted (T; older notation c.5698-7delT).
Molecular consequence: intron variant.
Genome position (GRCh38, 1-based): chrX:77,599,827, A deleted on the plus strand (T on the coding strand, the reverse complement: ATRX is on the minus strand); the first of 9 consecutive A bases (chrX:77,599,827-77,599,835); deleting any one gives the same sequence. VCF-style (leftmost placement, unchanged base first): chrX-77599826-GA-G. GRCh37 (hg19) VCF-style: chrX-76855295-GA-G.
Other names: c.5698-7del (NM_000489.4); c.5584-7del (NM_138270.5).
Identifiers: ClinVar variation 698963 (VCV000698963.21), dbSNP rs781820607, ClinGen allele CA10457630.

ClinVar aggregate classification (germline): Benign/Likely benign. Review status: criteria provided, multiple submitters, no conflicts (2 of 4 stars). 2 submissions from 2 submitters: Benign (1); Likely benign (1). Last evaluated 2025-11-23.

Conditions:
Alpha thalassemia-X-linked intellectual disability syndrome (ATRX). Also called: ATR-X syndrome; Alpha thalassemia mental retardation syndrome, nondeletion type, X-linked; XLMR hypotonic face syndrome; ALPHA-THALASSEMIA/MENTAL RETARDATION SYNDROME, X-LINKED; ATR, NONDELETION TYPE; X-linked alpha-thalassemia-mental retardation syndrome. Identifiers: Orphanet 847, MedGen C1845055, MONDO:0010519, OMIM 301040.

Submissions (2):

Labcorp Genetics (formerly Invitae), Labcorp
Classification: Benign for Alpha thalassemia-X-linked intellectual disability syndrome. Last evaluated: 2025-11-23. Review status: criteria provided, single submitter. Criteria: Invitae Variant Classification Sherloc (09022015). Collection method: clinical testing. Allele origin: germline.

CeGaT Center for Human Genetics Tuebingen
Classification: Likely benign. Last evaluated: 2025-05-01. Review status: criteria provided, single submitter. Criteria: CeGaT Center For Human Genetics Tuebingen Variant Classification Criteria Version 2. Collection method: clinical testing. Allele origin: germline. Affected: yes. Observed: 1 variant allele.
Comment: ATRX: BP4, BS2